The following is an entry in ClinVar:

NM_004415.4(DSP):c.8164G>A (p.Ala2722Thr)

Gene: DSP (desmoplakin; plus strand). Cytogenetic location: 6p24.3.
Variant type: single nucleotide variant.
Coding change: c.8164G>A on transcript NM_004415.4 (MANE Select); coding-DNA position 8164, G replaced by A.
Protein change: p.Ala2722Thr; replaces alanine 2722 with threonine.
Molecular consequence: missense variant.
Genome position (GRCh38, 1-based): chr6:7,585,426, G>A. VCF-style: chr6-7585426-G-A. GRCh37 (hg19) VCF-style: chr6-7585659-G-A.
Other names: c.6367G>A, p.Ala2123Thr (NM_001008844.3); c.6835G>A, p.Ala2279Thr (NM_001319034.2); short protein forms A2123T, A2279T, A2722T.
Identifiers: ClinVar variation 3071303 (VCV003071303.3), dbSNP rs2533949915, ClinGen allele CA362694579.

ClinVar aggregate classification (germline): Uncertain significance. Review status: criteria provided, multiple submitters, no conflicts (2 of 4 stars). 2 submissions from 2 submitters: Uncertain significance (2). Last evaluated 2025-11-28.

Conditions:
Arrhythmogenic cardiomyopathy with wooly hair and keratoderma. Also called: PALMOPLANTAR KERATODERMA WITH LEFT VENTRICULAR CARDIOMYOPATHY AND WOOLLY HAIR; Carvajal syndrome; Dilated cardiomyopathy with woolly hair and keratoderma; Arrhythmogenic cardiomyopathy with woolly hair and keratoderma. Identifiers: Orphanet 65282, MedGen C1854063, MONDO:0011581, OMIM 605676.
Arrhythmogenic right ventricular dysplasia 8 (ARVD8). Also called: ARRHYTHMOGENIC RIGHT VENTRICULAR DYSPLASIA, FAMILIAL, 8; ARRHYTHMOGENIC RIGHT VENTRICULAR CARDIOMYOPATHY 8; Arrhythmogenic Right Ventricular Dysplasia/Cardiomyopathy 8. Identifiers: MedGen C1843896, MONDO:0011831, OMIM 607450.

Submissions (2):

Labcorp Genetics (formerly Invitae), Labcorp
Classification: Uncertain significance for Arrhythmogenic cardiomyopathy with wooly hair and keratoderma; Arrhythmogenic right ventricular dysplasia 8. Last evaluated: 2025-11-28. Review status: criteria provided, single submitter. Criteria: Invitae Variant Classification Sherloc (09022015). Collection method: clinical testing. Allele origin: germline.
Comment: This sequence change replaces alanine, which is neutral and non-polar, with threonine, which is neutral and polar, at codon 2722 of the DSP protein (p.Ala2722Thr). This variant is not present in population databases (gnomAD no frequency). This variant has not been reported in the literature in individuals affected with DSP-related conditions. ClinVar contains an entry for this variant (Variation ID: 3071303). An algorithm developed to predict the effect of missense changes on protein structure and function (PolyPhen-2) suggests that this variant is likely to be disruptive. In summary, the available evidence is currently insufficient to determine the role of this variant in disease. Therefore, it has been classified as a Variant of Uncertain Significance.

All of Us Research Program, National Institutes of Health
Classification: Uncertain significance for Arrhythmogenic cardiomyopathy with wooly hair and keratoderma. Last evaluated: 2023-05-30. Review status: criteria provided, single submitter. Criteria: ACMG Guidelines, 2015. Collection method: clinical testing. Allele origin: germline. Inheritance: Autosomal dominant inheritance. Observed: 1 variant allele, 1 heterozygote.
Comment: This missense variant replaces alanine with threonine at codon 2722 of the DSP protein. Computational prediction suggests that this variant may not impact protein structure and function (internally defined REVEL score threshold <= 0.5, PMID: 27666373). To our knowledge, functional studies have not been reported for this variant. This variant has not been reported in individuals affected with DSP-related disorders in the literature. This variant has not been identified in the general population by the Genome Aggregation Database (gnomAD). The available evidence is insufficient to determine the role of this variant in disease conclusively. Therefore, this variant is classified as a Variant of Uncertain Significance.

This study involves interpretation of variants in research participants for the purpose of population health screening. Participant phenotype was not available at the time of variant classification. Additional details can be found in publication PMID: 35346344, PMCID: PMC8962531